The following is an entry in ClinVar:

NM_006231.4(POLE):c.5308A>G (p.Ile1770Val)

Gene: POLE (DNA polymerase epsilon, catalytic subunit; minus strand). Cytogenetic location: 12q24.33.
Variant type: single nucleotide variant.
Coding change: c.5308A>G on transcript NM_006231.4 (MANE Select); coding-DNA position 5308, A replaced by G.
Protein change: p.Ile1770Val; replaces isoleucine 1770 with valine.
Molecular consequence: missense variant.
Genome position (GRCh38, 1-based): chr12:132,641,717, T>C on the plus strand (A>G on the coding strand, the complement: POLE is on the minus strand). VCF-style: chr12-132641717-T-C. GRCh37 (hg19) VCF-style: chr12-133218303-T-C.
Other names: short protein forms I1770V.
Identifiers: ClinVar variation 1509188 (VCV001509188.6), dbSNP rs2138524249, ClinGen allele CA387376012.

ClinVar aggregate classification (germline): Uncertain significance (1 of 4 stars; one submission).

Submission:

Labcorp Genetics (formerly Invitae), Labcorp
Classification: Uncertain significance. Last evaluated: 2021-07-31. Review status: criteria provided, single submitter. Criteria: Invitae Variant Classification Sherloc (09022015). Collection method: clinical testing. Allele origin: germline.
Comment: In summary, the available evidence is currently insufficient to determine the role of this variant in disease. Therefore, it has been classified as a Variant of Uncertain Significance. Algorithms developed to predict the effect of missense changes on protein structure and function output the following: SIFT: "Tolerated"; PolyPhen-2: "Benign"; Align-GVGD: "Class C0". The valine amino acid residue is found in multiple mammalian species, which suggests that this missense change does not adversely affect protein function. This variant has not been reported in the literature in individuals affected with POLE-related conditions. This variant is not present in population databases (ExAC no frequency). This sequence change replaces isoleucine with valine at codon 1770 of the POLE protein (p.Ile1770Val). The isoleucine residue is weakly conserved and there is a small physicochemical difference between isoleucine and valine.